The following is an entry in ClinVar:

NM_001352754.2(ARMC9):c.244A>T (p.Ile82Phe)

Gene: ARMC9 (armadillo repeat containing 9; plus strand). Cytogenetic location: 2q37.1.
Variant type: single nucleotide variant.
Coding change: c.244A>T on transcript NM_001352754.2 (MANE Select); coding-DNA position 244, A replaced by T.
Protein change: p.Ile82Phe; replaces isoleucine 82 with phenylalanine.
Molecular consequence: missense variant. On other transcripts: non-coding transcript variant (1).
Genome position (GRCh38, 1-based): chr2:231,214,897, A>T. VCF-style: chr2-231214897-A-T. GRCh37 (hg19) VCF-style: chr2-232079610-A-T.
Other names: c.244A>T, p.Ile82Phe (NM_001271466.4, NM_001291656.2, NM_001352758.2 and 5 more transcripts); short protein forms I82F.
Identifiers: ClinVar variation 1019119 (VCV001019119.5), dbSNP rs758536951, ClinGen allele CA2159882.

ClinVar aggregate classification (germline): Uncertain significance (1 of 4 stars; one submission).

Allele frequency attached by ClinVar (database versions not stated): ExAC 0.00001; gnomAD 0.00001; gnomAD exomes 0.00001 and 0.00002; TOPMed 0.00002.
gnomAD v4.1: 8 of 1,614,014 alleles (0.0005%); highest among the groups gnomAD compares: Admixed American, 0.0067%; no homozygotes.

Submission:

Labcorp Genetics (formerly Invitae), Labcorp
Classification: Uncertain significance. Last evaluated: 2023-08-05. Review status: criteria provided, single submitter. Criteria: Invitae Variant Classification Sherloc (09022015). Collection method: clinical testing. Allele origin: germline.
Comment: In summary, the available evidence is currently insufficient to determine the role of this variant in disease. Therefore, it has been classified as a Variant of Uncertain Significance. Experimental studies and prediction algorithms are not available or were not evaluated, and the functional significance of this variant is currently unknown. ClinVar contains an entry for this variant (Variation ID: 1019119). This variant has not been reported in the literature in individuals affected with ARMC9-related conditions. This variant is present in population databases (rs758536951, gnomAD 0.01%). This sequence change replaces isoleucine, which is neutral and non-polar, with phenylalanine, which is neutral and non-polar, at codon 82 of the ARMC9 protein (p.Ile82Phe).